The following is an entry in ClinVar:

ClinVar aggregate classification (germline): Uncertain significance. Review status: criteria provided, multiple submitters, no conflicts (2 of 4 stars). 5 submissions from 4 submitters: Uncertain significance (5). Last evaluated 2025-12-10.

Conditions:
Inborn genetic diseases. Identifiers: MedGen C0950123, MeSH D030342.
Brachydactyly type B1 (BDB1). Identifiers: Orphanet 572385, Orphanet 93383, MedGen C1862112, MONDO:0007220, OMIM 113000.
Autosomal recessive Robinow syndrome (RRS1). Also called: ROBINOW SYNDROME, AUTOSOMAL RECESSIVE 1; COSTOVERTEBRAL SEGMENTATION DEFECT WITH MESOMELIA; COVESDEM SYNDROME; ROR2-Related Robinow Syndrome. Identifiers: Orphanet 1507, Orphanet 97360, MedGen C5399974, MONDO:0009999, OMIM 268310.

Allele frequency attached by ClinVar (database versions not stated): gnomAD exomes below 0.00001 and 0.00001; ExAC 0.00001; gnomAD 0.00001; TOPMed 0.00001.
gnomAD v4.1: 11 of 1,614,070 alleles (0.00068%); highest among the groups gnomAD compares: Non-Finnish European, 0.00085%; no homozygotes.

Submissions (5):

Ambry Genetics
Classification: Uncertain significance for Inborn genetic diseases. Last evaluated: 2025-12-10. Review status: criteria provided, single submitter. Criteria: Ambry Variant Classification Scheme 2023. Collection method: clinical testing. Allele origin: germline.
Comment: The c.1820C>T (p.S607F) alteration is located in exon 9 (coding exon 9) of the ROR2 gene. This alteration results from a C to T substitution at nucleotide position 1820, causing the serine (S) at amino acid position 607 to be replaced by a phenylalanine (F). Based on data from gnomAD, the T allele has an overall frequency of <0.001% (1/250860) total alleles studied. The highest observed frequency was 0.001% (1/113246) of European (non-Finnish) alleles. Based on insufficient or conflicting evidence, the clinical significance of this alteration remains unclear.

Labcorp Genetics (formerly Invitae), Labcorp
Classification: Uncertain significance. Last evaluated: 2025-01-08. Review status: criteria provided, single submitter. Criteria: Invitae Variant Classification Sherloc (09022015). Collection method: clinical testing. Allele origin: germline.
Comment: This sequence change replaces serine, which is neutral and polar, with phenylalanine, which is neutral and non-polar, at codon 607 of the ROR2 protein (p.Ser607Phe). This variant is present in population databases (rs769849104, gnomAD 0.0009%). This variant has not been reported in the literature in individuals affected with ROR2-related conditions. ClinVar contains an entry for this variant (Variation ID: 367500). Invitae Evidence Modeling of protein sequence and biophysical properties (such as structural, functional, and spatial information, amino acid conservation, physicochemical variation, residue mobility, and thermodynamic stability) indicates that this missense variant is expected to disrupt ROR2 protein function with a positive predictive value of 80%. In summary, the available evidence is currently insufficient to determine the role of this variant in disease. Therefore, it has been classified as a Variant of Uncertain Significance.

CeGaT Center for Human Genetics Tuebingen
Classification: Uncertain significance. Last evaluated: 2023-09-01. Review status: criteria provided, single submitter. Criteria: CeGaT Center For Human Genetics Tuebingen Variant Classification Criteria Version 2. Collection method: clinical testing. Allele origin: germline. Affected: yes. Observed: 1 variant allele.
Comment: ROR2: PM2

Illumina Laboratory Services, Illumina
Classification: Uncertain significance for Brachydactyly type B1. Last evaluated: 2018-01-13. Review status: criteria provided, single submitter. Criteria: ICSL Variant Classification Criteria 13 December 2019. Collection method: clinical testing. Allele origin: germline.

Illumina Laboratory Services, Illumina
Classification: Uncertain significance for Autosomal recessive Robinow syndrome. Last evaluated: 2018-01-13. Review status: criteria provided, single submitter. Criteria: ICSL Variant Classification Criteria 13 December 2019. Collection method: clinical testing. Allele origin: germline.

NM_004560.4(ROR2):c.1820C>T (p.Ser607Phe)

Gene: ROR2 (ROR family WNT receptor 2; minus strand). Cytogenetic location: 9q22.31.
Variant type: single nucleotide variant.
Coding change: c.1820C>T on transcript NM_004560.4 (MANE Select); coding-DNA position 1820, C replaced by T.
Protein change: p.Ser607Phe; replaces serine 607 with phenylalanine.
Molecular consequence: missense variant.
Genome position (GRCh38, 1-based): chr9:91,724,674, G>A on the plus strand (C>T on the coding strand, the complement: ROR2 is on the minus strand). VCF-style: chr9-91724674-G-A. GRCh37 (hg19) VCF-style: chr9-94486956-G-A.
Other names: short protein forms S607F.
Identifiers: ClinVar variation 367500 (VCV000367500.31), dbSNP rs769849104, ClinGen allele CA5120552.